The following is an entry in ClinVar:

NM_201596.3(CACNB2):c.1551_1595dup (p.Ser532_Ser533insGluGluProSerValGluProValLysLysSerGlnHisArgSer)

Gene: CACNB2 (calcium voltage-gated channel auxiliary subunit beta 2; plus strand). Cytogenetic location: 10p12.31.
Variant type: Duplication.
Coding change: c.1551_1595dup on transcript NM_201596.3 (MANE Select); coding-DNA positions 1551 to 1595, 45 bases duplicated.
Protein change: p.Ser532_Ser533insGluGluProSerValGluProValLysLysSerGlnHisArgSer.
Genome position (GRCh38, 1-based): chr10:18,539,292-18,539,336, 45 bases duplicated. GRCh37 (hg19): chr10:18,828,221-18,828,265.
Other names: c.1386_1430dup, p.Ser477_Ser478insGluGluProSerValGluProValLysLysSerGlnHisArgSer (NM_000724.4); c.1353_1397dup, p.Ser466_Ser467insGluGluProSerValGluProValLysLysSerGlnHisArgSer (NM_001167945.2); c.1272_1316dup, p.Ser439_Ser440insGluGluProSerValGluProValLysLysSerGlnHisArgSer (NM_001330060.2); c.1293_1337dup, p.Ser446_Ser447insGluGluProSerValGluProValLysLysSerGlnHisArgSer (NM_001410882.1); c.1407_1451dup, p.Ser484_Ser485insGluGluProSerValGluProValLysLysSerGlnHisArgSer (NM_201570.3); c.1467_1511dup, p.Ser504_Ser505insGluGluProSerValGluProValLysLysSerGlnHisArgSer (NM_201571.4); c.1395_1439dup, p.Ser480_Ser481insGluGluProSerValGluProValLysLysSerGlnHisArgSer (NM_201572.4); c.1389_1433dup, p.Ser478_Ser479insGluGluProSerValGluProValLysLysSerGlnHisArgSer (NM_201590.3); and 2 more.
Identifiers: ClinVar variation 4218007 (VCV004218007.1).

ClinVar aggregate classification (germline): Uncertain significance (1 of 4 stars; one submission).

Conditions:
Cardiovascular phenotype. Identifiers: MedGen CN230736.

Submission:

Ambry Genetics
Classification: Uncertain significance for Cardiovascular phenotype. Last evaluated: 2025-07-07. Review status: criteria provided, single submitter. Criteria: Ambry Variant Classification Scheme 2023. Collection method: clinical testing. Allele origin: germline.
Comment: The c.1389_1433dup45 variant (also known as p.E464_S478dup), located in coding exon 13 of the CACNB2 gene, results from an in-frame duplication of 45 nucleotides at nucleotide positions 1389 to 1433. This results in the duplication of 15 extra residues (EEPSVEPVKKSQHRS) between codons 464 and 478. This amino acid region ranges from highly conserved to not well conserved in available vertebrate species. In addition, the in silico prediction for this variant is inconclusive (Choi Y et al. PLoS ONE. 2012; 7(10):e46688). The evidence for this gene-disease relationship is limited; therefore, the clinical significance of this alteration is unclear.